The following is an entry in ClinVar:

ClinVar aggregate classification (germline): Uncertain significance. Review status: criteria provided, multiple submitters, no conflicts (2 of 4 stars). 3 submissions from 3 submitters: Uncertain significance (3). Last evaluated 2024-08-08.

Conditions:
Catecholaminergic polymorphic ventricular tachycardia (CVPT). Also called: Catecholamine-induced polymorphic ventricular tachycardia. Identifiers: Orphanet 3286, MedGen C5574922, MONDO:0017990.
Catecholaminergic polymorphic ventricular tachycardia 1. Also called: RYR2-Related Catecholaminergic Polymorphic Ventricular Tachycardia; VENTRICULAR TACHYCARDIA, CATECHOLAMINERGIC POLYMORPHIC, 1, WITH OR WITHOUT ATRIAL DYSFUNCTION AND/OR DILATED CARDIOMYOPATHY; VENTRICULAR TACHYCARDIA, STRESS-INDUCED POLYMORPHIC 1. Identifiers: Orphanet 3286, MedGen C1631597, MONDO:0011484, OMIM 604772.

Submissions (3):

Labcorp Genetics (formerly Invitae), Labcorp
Classification: Uncertain significance for Catecholaminergic polymorphic ventricular tachycardia 1. Last evaluated: 2024-08-08. Review status: criteria provided, single submitter. Criteria: Invitae Variant Classification Sherloc (09022015). Collection method: clinical testing. Allele origin: germline.
Comment: This sequence change replaces threonine, which is neutral and polar, with isoleucine, which is neutral and non-polar, at codon 1393 of the RYR2 protein (p.Thr1393Ile). This variant is not present in population databases (gnomAD no frequency). This variant has not been reported in the literature in individuals affected with RYR2-related conditions. ClinVar contains an entry for this variant (Variation ID: 1318968). Advanced modeling of protein sequence and biophysical properties (such as structural, functional, and spatial information, amino acid conservation, physicochemical variation, residue mobility, and thermodynamic stability) performed at Invitae indicates that this missense variant is not expected to disrupt RYR2 protein function with a negative predictive value of 95%. In summary, the available evidence is currently insufficient to determine the role of this variant in disease. Therefore, it has been classified as a Variant of Uncertain Significance.

All of Us Research Program, National Institutes of Health
Classification: Uncertain significance for Catecholaminergic polymorphic ventricular tachycardia. Last evaluated: 2023-02-24. Review status: criteria provided, single submitter. Criteria: ACMG Guidelines, 2015. Collection method: clinical testing. Allele origin: germline. Inheritance: Autosomal dominant inheritance. Observed: 1 variant allele, 1 heterozygote.
Comment: This missense variant replaces threonine with isoleucine at codon 1393 of the RYR2 protein. Computational prediction is inconclusive regarding the impact of this variant on protein structure and function (internally defined REVEL score threshold 0.5 < inconclusive < 0.7, PMID: 27666373). To our knowledge, functional studies have not been reported for this variant. This variant has not been reported in individuals affected with RYR2-related disorders in the literature. This variant has not been identified in the general population by the Genome Aggregation Database (gnomAD). The available evidence is insufficient to determine the role of this variant in disease conclusively. Therefore, this variant is classified as a Variant of Uncertain Significance.

This study involves interpretation of variants in research participants for the purpose of population health screening. Participant phenotype was not available at the time of variant classification. Additional details can be found in publication PMID: 35346344, PMCID: PMC8962531

GeneDx
Classification: Uncertain significance. Last evaluated: 2019-09-13. Review status: criteria provided, single submitter. Criteria: GeneDx Variant Classification Process June 2021. Collection method: clinical testing. Allele origin: germline. Affected: yes.
Comment: Has not been previously published as pathogenic or benign to our knowledge; Not observed in large population cohorts (Lek et al., 2016); Not located in one of the three hot-spot regions of the RYR2 gene, where the majority of pathogenic missense variants occur (Medeiros-Domingo et al., 2009); In silico analysis, which includes protein predictors and evolutionary conservation, supports that this variant does not alter protein structure/function

NM_001035.3(RYR2):c.4178C>T (p.Thr1393Ile)

Gene: RYR2 (ryanodine receptor 2; plus strand). Cytogenetic location: 1q43.
Variant type: single nucleotide variant.
Coding change: c.4178C>T on transcript NM_001035.3 (MANE Select); coding-DNA position 4178, C replaced by T.
Protein change: p.Thr1393Ile; replaces threonine 1393 with isoleucine.
Molecular consequence: missense variant.
Genome position (GRCh38, 1-based): chr1:237,591,756, C>T. VCF-style: chr1-237591756-C-T. GRCh37 (hg19) VCF-style: chr1-237755056-C-T.
Other names: short protein forms T1393I.
Identifiers: ClinVar variation 1318968 (VCV001318968.5), dbSNP rs1675223989, ClinGen allele CA345398337.